The following is an entry in ClinVar:

NM_000091.5(COL4A3):c.4445C>T (p.Ala1482Val)

Genes: COL4A3 (collagen type IV alpha 3 chain; plus strand), MFF-DT (MFF divergent transcript; minus strand). Cytogenetic location: 2q36.3.
Variant type: single nucleotide variant.
Coding change: c.4445C>T on transcript NM_000091.5 (MANE Select); coding-DNA position 4445, C replaced by T.
Protein change: p.Ala1482Val; replaces alanine 1482 with valine.
Molecular consequence: missense variant.
Genome position (GRCh38, 1-based): chr2:227,307,902, C>T. VCF-style: chr2-227307902-C-T. GRCh37 (hg19) VCF-style: chr2-228172618-C-T.
Other names: short protein forms A1482V.
Identifiers: ClinVar variation 501978 (VCV000501978.31), dbSNP rs199755408, ClinGen allele CA2147537.

ClinVar aggregate classification (germline): Conflicting classifications of pathogenicity. Review status: criteria provided, conflicting classifications (1 of 4 stars). 10 submissions from 10 submitters: Uncertain significance (4); Benign (1); Likely benign (3). 2 of the submissions do not count toward it. Last evaluated 2026-01-24.

Conditions:
Alport syndrome. Also called: Hemorrhagic familial nephritis; Hemorrhagic hereditary nephritis; Congenital hereditary hematuria. Identifiers: Orphanet 63, MedGen C1567741, MONDO:0018965.
Autosomal dominant Alport syndrome (ATS3A). Also called: ALPORT SYNDROME 3A, AUTOSOMAL DOMINANT; Alport syndrome dominant type; Renal failure and sensorineural hearing loss. Identifiers: Orphanet 63, Orphanet 88918, MedGen C5882663, MONDO:0007086, OMIM 104200.
COL4A3-related disorder. Also called: COL4A3-related condition; COL4A3-Related Disorders.
Kidney disorder. Also called: renal disease; Nephropathy; Kidney disease; Kidney Diseases; renal disorder. Identifiers: MedGen C0022658, MONDO:0005240, HP:0000112.

Allele frequency attached by ClinVar (database versions not stated): gnomAD 0.00159 and 0.00147; ESP Exome Variant Server 0.00166; TOPMed 0.00208; 1000 Genomes Project 30x 0.00078; 1000 Genomes Project 0.00080.
gnomAD v4.1: 506 of 1,614,018 alleles (0.031%); highest among the groups gnomAD compares: African/African-American, 0.59%; 3 homozygotes.

Submissions (10):

Labcorp Genetics (formerly Invitae), Labcorp
Classification: Likely benign. Last evaluated: 2026-01-24. Review status: criteria provided, single submitter. Criteria: Invitae Variant Classification Sherloc (09022015). Collection method: clinical testing. Allele origin: germline.

Blueprint Genetics
Classification: Likely benign. Last evaluated: 2024-07-18. Review status: criteria provided, single submitter. Criteria: ACMG Guidelines, 2015. Collection method: clinical testing. Allele origin: germline.

Mayo Clinic Laboratories, Mayo Clinic
Classification: Uncertain significance. Last evaluated: 2023-03-30. Review status: criteria provided, single submitter. Criteria: ACMG Guidelines, 2015. Collection method: clinical testing. Allele origin: germline. Observed: 1 variant allele.
Comment: BS1

GeneDx
Classification: Benign. Last evaluated: 2020-02-21. Review status: criteria provided, single submitter. Criteria: GeneDx Variant Classification Process June 2021. Collection method: clinical testing. Allele origin: germline. Affected: yes.

Baylor Genetics
Classification: Uncertain significance for Autosomal dominant Alport syndrome. Last evaluated: 2018-06-20. Review status: criteria provided, single submitter. Criteria: ACMG Guidelines, 2015. Collection method: clinical testing. Allele origin: maternal. Affected: yes.
Comment: This variant was determined to be of uncertain significance according to ACMG Guidelines, 2015 [PMID:25741868].

Eurofins Ntd Llc (ga)
Classification: Uncertain significance. Last evaluated: 2017-05-15. Review status: criteria provided, single submitter. Criteria: EGL Classification Definitions 2015. Collection method: clinical testing. Allele origin: germline. Observed: 1 variant allele, 1 heterozygote.

Genome Diagnostics Laboratory, The Hospital for Sick Children
Classification: Uncertain significance for Kidney disorder. Last evaluated: 2017-04-17. Review status: criteria provided, single submitter. Criteria: ACMG Guidelines, 2015. Collection method: clinical testing. Allele origin: germline.

Laboratory for Molecular Medicine, Mass General Brigham Personalized Medicine
Classification: Likely benign. Last evaluated: 2016-03-21. Review status: criteria provided, single submitter. Criteria: LMM Criteria. Collection method: clinical testing. Allele origin: germline. Observed: 2 variant alleles.
Comment: p.Ala1482Val in exon 48 of COL4A3: This variant is not expected to have clinical significance because it has been identified in 0.52% (51/9770) of African chrom osomes by the Exome Aggregation Consortium (ExAC ; dbSNP rs199755408).

PreventionGenetics, part of Exact Sciences
Classification: Likely benign for COL4A3-related condition. Last evaluated: 2020-11-10. Review status: no assertion criteria provided. Collection method: clinical testing. Allele origin: germline. Not counted in ClinVar's aggregate classification.
Comment: This variant is classified as likely benign based on ACMG/AMP sequence variant interpretation guidelines (Richards et al. 2015 PMID: 25741868, with internal and published modifications).

Natera, Inc.
Classification: Likely benign for Alport syndrome. Last evaluated: 2019-10-28. Review status: no assertion criteria provided. Collection method: clinical testing. Allele origin: germline. Not counted in ClinVar's aggregate classification.